The following is an entry in ClinVar:

NM_003079.5(SMARCE1):c.369+2_369+5del

Gene: SMARCE1 (SWI/SNF related BAF chromatin remodeling complex subunit E1; minus strand). Cytogenetic location: 17q21.2.
Variant type: Deletion.
Coding change: c.369+2_369+5del on transcript NM_003079.5 (MANE Select); the canonical splice donor site of the intron after coding-DNA position 369 through 5 bases into the intron after coding-DNA position 369, 4 bases deleted (TAGG; older notation c.369+2_369+5delTAGG).
Molecular consequence: splice donor variant.
Genome position (GRCh38, 1-based): chr17:40,636,390-40,636,393, CCTA deleted on the plus strand (TAGG on the coding strand, the reverse complement: SMARCE1 is on the minus strand); deleting any 4 consecutive bases within chr17:40,636,390-40,636,396 gives the same sequence; the c. name uses the placement nearest the transcript's 3' end. VCF-style (leftmost placement, unchanged base first): chr17-40636389-CCCTA-C. GRCh37 (hg19) VCF-style: chr17-38792641-CCCTA-C.
Identifiers: ClinVar variation 1067542 (VCV001067542.7), dbSNP rs2143997220, ClinGen allele CA2499224309.

ClinVar aggregate classification (germline): Likely pathogenic. Review status: criteria provided, multiple submitters, no conflicts (2 of 4 stars). 2 submissions from 2 submitters: Likely pathogenic (2). Last evaluated 2025-09-10.

Conditions:
Familial meningioma. Also called: Meningioma, familial, susceptibility to. Identifiers: Orphanet 263662, MedGen C3551915, MONDO:0011789, OMIM 607174.

Submissions (2):

Labcorp Genetics (formerly Invitae), Labcorp
Classification: Likely pathogenic for Familial meningioma. Last evaluated: 2025-09-10. Review status: criteria provided, single submitter. Criteria: Invitae Variant Classification Sherloc (09022015). Collection method: clinical testing. Allele origin: germline.
Comment: This sequence change affects a splice site in intron 6 of the SMARCE1 gene. It is expected to disrupt RNA splicing. Variants that disrupt the donor or acceptor splice site typically lead to a loss of protein function (PMID: 16199547), and loss-of-function variants in SMARCE1 are known to be pathogenic (PMID: 23377182). This variant is not present in population databases (gnomAD no frequency). This variant has not been reported in the literature in individuals affected with SMARCE1-related conditions. ClinVar contains an entry for this variant (Variation ID: 1067542). Algorithms developed to predict the effect of sequence changes on RNA splicing suggest that this variant may disrupt the consensus splice site. In summary, the currently available evidence indicates that the variant is pathogenic, but additional data are needed to prove that conclusively. Therefore, this variant has been classified as Likely Pathogenic.

Institute for Genomic Medicine (IGM) Clinical Laboratory, Nationwide Children's Hospital
Classification: Likely pathogenic for Familial meningioma. Last evaluated: 2025-09-09. Review status: criteria provided, single submitter. Criteria: ACMG Guidelines, 2015. Collection method: clinical testing. Allele origin: germline.
Comment: This variant is predicted to result in loss of function through nonsense-mediated decay of the encoded transcript or premature truncation of the encoded protein in a gene in which loss of function is a known mechanism of disease (ACMG/AMP: PVS1; PMIDs:23377182, 35681054, 26803492, 28474749, 25143307). This variant is absent from or present at an exceedingly low frequency in gnomAD, a large-scale control population database (ACMG/AMP: PM2).

Literature cited by the submitters: PubMed 16199547 (cited by Labcorp Genetics (formerly Invitae), Labcorp); PubMed 23377182 (cited by Labcorp Genetics (formerly Invitae), Labcorp and Institute for Genomic Medicine (IGM) Clinical Laboratory, Nationwide Children's Hospital); PubMed 35681054 (cited by Institute for Genomic Medicine (IGM) Clinical Laboratory, Nationwide Children's Hospital); PubMed 26803492 (cited by Institute for Genomic Medicine (IGM) Clinical Laboratory, Nationwide Children's Hospital); PubMed 28474749 (cited by Institute for Genomic Medicine (IGM) Clinical Laboratory, Nationwide Children's Hospital); PubMed 25143307 (cited by Institute for Genomic Medicine (IGM) Clinical Laboratory, Nationwide Children's Hospital).